The following is an entry in ClinVar:

NM_001807.6(CEL):c.1842C>T (p.Pro614=)

Gene: CEL (carboxyl ester lipase; plus strand). Cytogenetic location: 9q34.13.
Variant type: single nucleotide variant.
Coding change: c.1842C>T on transcript NM_001807.6 (MANE Select); coding-DNA position 1842, C replaced by T.
Protein change: p.Pro614=; no amino-acid change (proline 614 retained).
Molecular consequence: synonymous variant.
Genome position (GRCh38, 1-based): chr9:133,071,344, C>T. VCF-style: chr9-133071344-C-T. GRCh37 (hg19) VCF-style: chr9-135946731-C-T.
Identifiers: ClinVar variation 3025812 (VCV003025812.23), dbSNP rs1260248471, ClinGen allele CA467814053.
Genomic context (GRCh38, chr9:133,071,344, plus strand): 5'-GCCCACGGGTGACTCCGGGGCCCCCCCCGTGCCGCCCACGGGTGACTCCGGGGCCCCCCC[C>T]GTGCCGCCCACGGGTGACTCCGGGGCCCCCCCCGTGCCGCCCACGGGTGACTCCGGGGCC-3'
Protein context (NP_001798.3, residues 604-624): VPPTGDSGAP[Pro614=]VPPTGDSGAP

ClinVar aggregate classification (germline): Likely benign. Review status: criteria provided, multiple submitters, no conflicts (2 of 4 stars). 2 submissions from 2 submitters: Likely benign (2). Last evaluated 2024-08-07.

Allele frequency attached by ClinVar (database versions not stated): gnomAD 0.00024.

Submissions (2):

Blueprint Genetics
Classification: Likely benign. Last evaluated: 2024-08-07. Review status: criteria provided, single submitter. Criteria: ACMG Guidelines, 2015. Collection method: clinical testing. Allele origin: germline.

CeGaT Center for Human Genetics Tuebingen
Classification: Likely benign. Last evaluated: 2024-08-01. Review status: criteria provided, single submitter. Criteria: CeGaT Center For Human Genetics Tuebingen Variant Classification Criteria Version 2. Collection method: clinical testing. Allele origin: germline. Affected: yes. Observed: 2 variant alleles.
Comment: CEL: BP4, BP7